The following is an entry in ClinVar:

NM_024312.5(GNPTAB):c.3110T>C (p.Ile1037Thr)

Gene: GNPTAB (N-acetylglucosamine-1-phosphate transferase subunits alpha and beta; minus strand). Cytogenetic location: 12q23.2.
Variant type: single nucleotide variant.
Coding change: c.3110T>C on transcript NM_024312.5 (MANE Select); coding-DNA position 3110, T replaced by C.
Protein change: p.Ile1037Thr; replaces isoleucine 1037 with threonine.
Molecular consequence: missense variant.
Genome position (GRCh38, 1-based): chr12:101,761,152, A>G on the plus strand (T>C on the coding strand, the complement: GNPTAB is on the minus strand). VCF-style: chr12-101761152-A-G. GRCh37 (hg19) VCF-style: chr12-102154930-A-G.
Other names: c.3110T>C (NM_024312.4); short protein forms I1037T.
Identifiers: ClinVar variation 2060393 (VCV002060393.2), dbSNP rs539275893, ClinGen allele CA6746267.
Genomic context (GRCh38, chr12:101,761,152, plus strand): 5'-AACATCAAAAAGTTTAGAATAAGACAATACAACACCTGCAAACTTAACGGCAGTTCGTGA[A>G]TTCTGGTAGCCAGTGTTCGGATTTCTCTGTCAGACAAGACACCAGATTGATCTGTATCAA-3'
Protein context (NP_077288.2, residues 1027-1047): DREIRTLATR[Ile1037Thr]HELPLSLQDL

ClinVar aggregate classification (germline): Uncertain significance. Review status: criteria provided, multiple submitters, no conflicts (2 of 4 stars). 2 submissions from 2 submitters: Uncertain significance (2). Last evaluated 2023-12-16.

Conditions:
Pseudo-Hurler polydystrophy. Also called: MUCOLIPIDOSIS IIIA; ML III; ML III ALPHA/BETA; Type III Mucolipidosis; ML IIIA; Mucolipidosis III Alpha/Beta. Identifiers: Orphanet 423461, Orphanet 577, MedGen C0033788, MONDO:0018931, OMIM 252600.
Mucolipidosis type II. Also called: Mucolipidosis II Alpha/Beta; ML II ALPHA/BETA; Mucolipidosis 2; ML 2; Inclusion cell disease; Leroy Disease. Identifiers: Orphanet 576, MedGen C2673377, MONDO:0009650, OMIM 252500.
Inborn genetic diseases. Identifiers: MedGen C0950123, MeSH D030342.

Allele frequency attached by ClinVar (database versions not stated): gnomAD 0.00003; 1000 Genomes Project 30x 0.00016; gnomAD exomes 0.00001; TOPMed 0.00003; 1000 Genomes Project 0.00020; ExAC 0.00002.
gnomAD v4.1: 21 of 1,613,850 alleles (0.0013%); highest among the groups gnomAD compares: East Asian, 0.025%; no homozygotes.

Submissions (2):

Ambry Genetics
Classification: Uncertain significance for Inborn genetic diseases. Last evaluated: 2023-12-16. Review status: criteria provided, single submitter. Criteria: Ambry Variant Classification Scheme 2023. Collection method: clinical testing. Allele origin: germline.

Labcorp Genetics (formerly Invitae), Labcorp
Classification: Uncertain significance for Pseudo-Hurler polydystrophy; Mucolipidosis type II. Last evaluated: 2022-07-18. Review status: criteria provided, single submitter. Criteria: Invitae Variant Classification Sherloc (09022015). Collection method: clinical testing. Allele origin: germline.
Comment: This sequence change replaces isoleucine, which is neutral and non-polar, with threonine, which is neutral and polar, at codon 1037 of the GNPTAB protein (p.Ile1037Thr). This variant is present in population databases (rs539275893, gnomAD 0.05%), including at least one homozygous and/or hemizygous individual. This variant has not been reported in the literature in individuals affected with GNPTAB-related conditions. Algorithms developed to predict the effect of missense changes on protein structure and function (SIFT, PolyPhen-2, Align-GVGD) all suggest that this variant is likely to be disruptive. In summary, the available evidence is currently insufficient to determine the role of this variant in disease. Therefore, it has been classified as a Variant of Uncertain Significance.